The following is an entry in ClinVar:

NM_021975.4(RELA):c.1444A>G (p.Ile482Val)

Gene: RELA (RELA proto-oncogene, NF-kB subunit; minus strand). Cytogenetic location: 11q13.1.
Variant type: single nucleotide variant.
Coding change: c.1444A>G on transcript NM_021975.4 (MANE Select); coding-DNA position 1444, A replaced by G.
Protein change: p.Ile482Val; replaces isoleucine 482 with valine.
Molecular consequence: missense variant. On other transcripts: intron variant (1).
Genome position (GRCh38, 1-based): chr11:65,654,590, T>C on the plus strand (A>G on the coding strand, the complement: RELA is on the minus strand). VCF-style: chr11-65654590-T-C. GRCh37 (hg19) VCF-style: chr11-65422061-T-C.
Other names: c.1435A>G, p.Ile479Val (NM_001145138.2); c.1237A>G, p.Ile413Val (NM_001243984.2); c.1477A>G, p.Ile493Val (NM_001404657.1); c.1417A>G, p.Ile473Val (NM_001404658.1); c.1231A>G, p.Ile411Val (NM_001404659.1); c.1126A>G, p.Ile376Val (NM_001404660.1); c.1063A>G, p.Ile355Val (NM_001404661.1); c.1351A>G, p.Ile451Val (NM_001404662.1, NM_001404663.1); and 1 more; short protein forms I376V, I493V, I355V, I411V, I413V, I451V, I473V, I479V.
Identifiers: ClinVar variation 3676083 (VCV003676083.2).

ClinVar aggregate classification (germline): Uncertain significance (1 of 4 stars; one submission).

gnomAD v4.1: 2 of 1,613,424 alleles (0.00012%); highest among the groups gnomAD compares: Admixed American, 0.0033%; no homozygotes.

Submission:

Labcorp Genetics (formerly Invitae), Labcorp
Classification: Uncertain significance. Last evaluated: 2024-11-19. Review status: criteria provided, single submitter. Criteria: Invitae Variant Classification Sherloc (09022015). Collection method: clinical testing. Allele origin: germline.
Comment: This sequence change replaces isoleucine, which is neutral and non-polar, with valine, which is neutral and non-polar, at codon 482 of the RELA protein (p.Ile482Val). This variant is not present in population databases (gnomAD no frequency). This variant has not been reported in the literature in individuals affected with RELA-related conditions. An algorithm developed to predict the effect of missense changes on protein structure and function outputs the following: PolyPhen-2: "Benign". The valine amino acid residue is found in multiple mammalian species, which suggests that this missense change does not adversely affect protein function. In summary, the available evidence is currently insufficient to determine the role of this variant in disease. Therefore, it has been classified as a Variant of Uncertain Significance.